The following is an entry in ClinVar:

ClinVar aggregate classification (germline): Likely benign (1 of 4 stars; one submission).

Allele frequency attached by ClinVar (database versions not stated): 1000 Genomes Project 0.01098; 1000 Genomes Project 30x 0.01249; gnomAD 0.01324 and 0.01406; TOPMed 0.01525.
gnomAD v4.1: 1,990 of 152,150 alleles (1.3%); highest among the groups gnomAD compares: African/African-American, 4.6%; 58 homozygotes.

Submission:

GeneDx
Classification: Likely benign. Last evaluated: 2018-06-16. Review status: criteria provided, single submitter. Criteria: GeneDx Variant Classification (06012015). Collection method: clinical testing. Allele origin: germline. Affected: yes.
Comment: This variant is considered likely benign or benign based on one or more of the following criteria: it is a conservative change, it occurs at a poorly conserved position in the protein, it is predicted to be benign by multiple in silico algorithms, and/or has population frequency not consistent with disease.

NM_024753.5(TTC21B):c.2461+267C>T

Gene: TTC21B (tetratricopeptide repeat domain 21B; minus strand). Cytogenetic location: 2q24.3.
Variant type: single nucleotide variant.
Coding change: c.2461+267C>T on transcript NM_024753.5 (MANE Select); 267 bases into the intron after coding-DNA position 2461, C replaced by T.
Molecular consequence: intron variant.
Genome position (GRCh38, 1-based): chr2:165,911,060, G>A on the plus strand (C>T on the coding strand, the complement: TTC21B is on the minus strand). VCF-style: chr2-165911060-G-A. GRCh37 (hg19) VCF-style: chr2-166767570-G-A.
Identifiers: ClinVar variation 673887 (VCV000673887.1), dbSNP rs114942914, ClinGen allele CA59795518.
Genomic context (GRCh38, chr2:165,911,060, plus strand): 5'-TAAAAAAGAAGCATGCTACTTTTTAAAAAAGATTACAAAAATGCTAATGTGTTTAAATAT[G>A]AGATAGCTGTAATTTAAAGATAACTATATTATTTTGGAAAGTAAGCTATATTTCTATAAC-3'